The following is an entry in ClinVar:

NM_145290.4(ADGRA3):c.2192C>A (p.Thr731Lys)

Gene: ADGRA3 (adhesion G protein-coupled receptor A3; minus strand). Cytogenetic location: 4p15.2.
Variant type: single nucleotide variant.
Coding change: c.2192C>A on transcript NM_145290.4 (MANE Select); coding-DNA position 2192, C replaced by A.
Protein change: p.Thr731Lys; replaces threonine 731 with lysine.
Molecular consequence: missense variant.
Genome position (GRCh38, 1-based): chr4:22,413,222, G>T on the plus strand (C>A on the coding strand, the complement: ADGRA3 is on the minus strand). VCF-style: chr4-22413222-G-T. GRCh37 (hg19) VCF-style: chr4-22414845-G-T.
Other names: c.2192C>A (NM_145290.2); short protein forms T731K.
Identifiers: ClinVar variation 2177914 (VCV002177914.6), dbSNP rs1421290700, ClinGen allele CA356479413.

ClinVar aggregate classification (germline): Uncertain significance. Review status: criteria provided, multiple submitters, no conflicts (2 of 4 stars). 2 submissions from 2 submitters: Uncertain significance (2). Last evaluated 2023-02-14.

gnomAD v4.1: 8 of 1,613,902 alleles (0.0005%); highest among the groups gnomAD compares: Non-Finnish European, 0.00068%; no homozygotes.

Submissions (2):

Ambry Genetics
Classification: Uncertain significance. Last evaluated: 2023-02-14. Review status: criteria provided, single submitter. Criteria: Ambry Variant Classification Scheme 2023. Collection method: clinical testing. Allele origin: germline.

Labcorp Genetics (formerly Invitae), Labcorp
Classification: Uncertain significance. Last evaluated: 2021-12-20. Review status: criteria provided, single submitter. Criteria: Invitae Variant Classification Sherloc (09022015). Collection method: clinical testing. Allele origin: germline.
Comment: In summary, the available evidence is currently insufficient to determine the role of this variant in disease. Therefore, it has been classified as a Variant of Uncertain Significance. Algorithms developed to predict the effect of missense changes on protein structure and function are either unavailable or do not agree on the potential impact of this missense change (SIFT: "Deleterious"; PolyPhen-2: "Possibly Damaging"; Align-GVGD: "Class C0"). This variant has not been reported in the literature in individuals affected with ADGRA3-related conditions. This variant is not present in population databases (gnomAD no frequency). This sequence change replaces threonine, which is neutral and polar, with lysine, which is basic and polar, at codon 731 of the ADGRA3 protein (p.Thr731Lys).